The following is an entry in ClinVar:

ClinVar aggregate classification (germline): Likely benign (1 of 4 stars; one submission).

Allele frequency attached by ClinVar (database versions not stated): TOPMed below 0.00001.

Submission:

CeGaT Center for Human Genetics Tuebingen
Classification: Likely benign. Last evaluated: 2022-09-01. Review status: criteria provided, single submitter. Criteria: CeGaT Center For Human Genetics Tuebingen Variant Classification Criteria Version 2. Collection method: clinical testing. Allele origin: germline. Affected: yes. Observed: 1 variant allele.
Comment: DNAH9: PM2:Supporting, BP4, BP7

NM_001372.4(DNAH9):c.8883G>A (p.Lys2961=)

Gene: DNAH9 (dynein axonemal heavy chain 9; plus strand). Cytogenetic location: 17p12.
Variant type: single nucleotide variant.
Coding change: c.8883G>A on transcript NM_001372.4 (MANE Select); coding-DNA position 8883, G replaced by A.
Protein change: p.Lys2961=; no amino-acid change (lysine 2961 retained).
Molecular consequence: synonymous variant.
Genome position (GRCh38, 1-based): chr17:11,822,470, G>A. VCF-style: chr17-11822470-G-A. GRCh37 (hg19) VCF-style: chr17-11725787-G-A.
Identifiers: ClinVar variation 2647488 (VCV002647488.24), dbSNP rs776780513, ClinGen allele CA288037386.
Genomic context (GRCh38, chr17:11,822,470, plus strand): 5'-GGTTCTCCCCACCCTTCTGACTTCTCAGGTGACTCTCTGTTTCTCCCCTGTGGGAAACAA[G>A]CTAAGAGTCCGCAGCAGGAAGTTCCCAGCCATTGTGAACTGCACAGCCATCCACTGGTTC-3'
Protein context (NP_001363.2, residues 2951-2971): VTLCFSPVGN[Lys2961=]LRVRSRKFPA